The following is an entry in ClinVar:

NM_000092.5(COL4A4):c.4139G>A (p.Gly1380Asp)

Gene: COL4A4 (collagen type IV alpha 4 chain; minus strand). Cytogenetic location: 2q36.3.
Variant type: single nucleotide variant.
Coding change: c.4139G>A on transcript NM_000092.5 (MANE Select); coding-DNA position 4139, G replaced by A.
Protein change: p.Gly1380Asp; replaces glycine 1380 with aspartic acid.
Molecular consequence: missense variant.
Genome position (GRCh38, 1-based): chr2:227,022,125, C>T on the plus strand (G>A on the coding strand, the complement: COL4A4 is on the minus strand). VCF-style: chr2-227022125-C-T. GRCh37 (hg19) VCF-style: chr2-227886841-C-T.
Other names: short protein forms G1380D.
Identifiers: ClinVar variation 1909303 (VCV001909303.6), dbSNP rs2473008211, ClinGen allele CA350836784.

ClinVar aggregate classification (germline): Uncertain significance. Review status: criteria provided, multiple submitters, no conflicts (2 of 4 stars). 2 submissions from 2 submitters: Uncertain significance (2). Last evaluated 2025-07-16.

Conditions:
Autosomal recessive Alport syndrome (ATS2). Also called: ALPORT SYNDROME 2, AUTOSOMAL RECESSIVE; Alport syndrome type 2; COL4A3-Related Nephropathy; COL4A4 Alport Syndrome and Thin Basement Membrane Nephropathy. Identifiers: Orphanet 63, Orphanet 88919, MedGen C4746745, MONDO:0008762, OMIM 203780.
Hematuria, benign familial, 1 (BFH1). Also called: THIN MEMBRANE NEPHROPATHY. Identifiers: MedGen CN376803, MONDO:0007709, OMIM 141200.

Allele frequency attached by ClinVar (database versions not stated): gnomAD exomes below 0.00001.
gnomAD v4.1: 2 of 1,614,140 alleles (0.00012%); highest among the groups gnomAD compares: African/African-American, 0.0013%; no homozygotes.

Submissions (2):

Labcorp Genetics (formerly Invitae), Labcorp
Classification: Uncertain significance. Last evaluated: 2025-07-16. Review status: criteria provided, single submitter. Criteria: Invitae Variant Classification Sherloc (09022015). Collection method: clinical testing. Allele origin: germline.
Comment: This sequence change replaces glycine, which is neutral and non-polar, with aspartic acid, which is acidic and polar, at codon 1380 of the COL4A4 protein (p.Gly1380Asp). This variant is not present in population databases (gnomAD no frequency). This variant has not been reported in the literature in individuals affected with COL4A4-related conditions. ClinVar contains an entry for this variant (Variation ID: 1909303). Invitae Evidence Modeling of protein sequence and biophysical properties (such as structural, functional, and spatial information, amino acid conservation, physicochemical variation, residue mobility, and thermodynamic stability) indicates that this missense variant is not expected to disrupt COL4A4 protein function with a negative predictive value of 95%. In summary, the available evidence is currently insufficient to determine the role of this variant in disease. Therefore, it has been classified as a Variant of Uncertain Significance.

Fulgent Genetics
Classification: Uncertain significance for Hematuria, benign familial, 1; Autosomal recessive Alport syndrome. Last evaluated: 2024-03-28. Review status: criteria provided, single submitter. Criteria: ACMG Guidelines, 2015. Collection method: clinical testing. Allele origin: germline.